The following is an entry in ClinVar:

ClinVar aggregate classification (germline): Uncertain significance. Review status: criteria provided, multiple submitters, no conflicts (2 of 4 stars). 2 submissions from 2 submitters: Uncertain significance (2). Last evaluated 2024-08-05.

Conditions:
Inborn genetic diseases. Identifiers: MedGen C0950123, MeSH D030342.
Vici syndrome (VICIS). Identifiers: Orphanet 1493, MedGen C1855772, MONDO:0009452, OMIM 242840.

Allele frequency attached by ClinVar (database versions not stated): gnomAD exomes below 0.00001 and 0.00002; TOPMed below 0.00001; gnomAD 0.00001; ExAC 0.00002.
gnomAD v4.1: 8 of 1,613,972 alleles (0.0005%); highest among the groups gnomAD compares: Admixed American, 0.0067%; no homozygotes.

Submissions (2):

Labcorp Genetics (formerly Invitae), Labcorp
Classification: Uncertain significance for Vici syndrome. Last evaluated: 2024-08-05. Review status: criteria provided, single submitter. Criteria: Invitae Variant Classification Sherloc (09022015). Collection method: clinical testing. Allele origin: germline.
Comment: This sequence change replaces serine, which is neutral and polar, with alanine, which is neutral and non-polar, at codon 2526 of the EPG5 protein (p.Ser2526Ala). This variant is present in population databases (rs772963749, gnomAD 0.009%). This variant has not been reported in the literature in individuals affected with EPG5-related conditions. ClinVar contains an entry for this variant (Variation ID: 1400016). Advanced modeling of protein sequence and biophysical properties (such as structural, functional, and spatial information, amino acid conservation, physicochemical variation, residue mobility, and thermodynamic stability) performed at Invitae indicates that this missense variant is not expected to disrupt EPG5 protein function with a negative predictive value of 80%. In summary, the available evidence is currently insufficient to determine the role of this variant in disease. Therefore, it has been classified as a Variant of Uncertain Significance.

Ambry Genetics
Classification: Uncertain significance for Inborn genetic diseases. Last evaluated: 2023-01-24. Review status: criteria provided, single submitter. Criteria: Ambry Variant Classification Scheme 2023. Collection method: clinical testing. Allele origin: germline.

NM_020964.3(EPG5):c.7576T>G (p.Ser2526Ala)

Gene: EPG5 (ectopic P-granules 5 autophagy tethering factor; minus strand). Cytogenetic location: 18q12.3.
Variant type: single nucleotide variant.
Coding change: c.7576T>G on transcript NM_020964.3 (MANE Select); coding-DNA position 7576, T replaced by G.
Protein change: p.Ser2526Ala; replaces serine 2526 with alanine.
Molecular consequence: missense variant.
Genome position (GRCh38, 1-based): chr18:45,852,631, A>C on the plus strand (T>G on the coding strand, the complement: EPG5 is on the minus strand). VCF-style: chr18-45852631-A-C. GRCh37 (hg19) VCF-style: chr18-43432596-A-C.
Other names: c.7576T>G (NM_020964.2); short protein forms S2526A.
Identifiers: ClinVar variation 1400016 (VCV001400016.9), dbSNP rs772963749, ClinGen allele CA8947950.